The following is an entry in ClinVar:

NM_005477.3(HCN4):c.1250G>A (p.Arg417His)

Gene: HCN4 (hyperpolarization activated cyclic nucleotide gated potassium channel 4; minus strand). Cytogenetic location: 15q24.1.
Variant type: single nucleotide variant.
Coding change: c.1250G>A on transcript NM_005477.3 (MANE Select); coding-DNA position 1250, G replaced by A.
Protein change: p.Arg417His; replaces arginine 417 with histidine.
Molecular consequence: missense variant.
Genome position (GRCh38, 1-based): chr15:73,332,252, C>T on the plus strand (G>A on the coding strand, the complement: HCN4 is on the minus strand). VCF-style: chr15-73332252-C-T. GRCh37 (hg19) VCF-style: chr15-73624593-C-T.
Other names: short protein forms R417H.
Identifiers: ClinVar variation 1464291 (VCV001464291.7), dbSNP rs981385410, ClinGen allele CA272673953.

ClinVar aggregate classification (germline): Uncertain significance. Review status: criteria provided, multiple submitters, no conflicts (2 of 4 stars). 2 submissions from 2 submitters: Uncertain significance (2). Last evaluated 2025-11-10.

Conditions:
Brugada syndrome 8 (BRGDA8). Identifiers: Orphanet 130, MedGen C2751083, MONDO:0013148, OMIM 613123.

Allele frequency attached by ClinVar (database versions not stated): gnomAD exomes below 0.00001; TOPMed 0.00001.
gnomAD v4.1: 7 of 1,614,190 alleles (0.00043%); highest among the groups gnomAD compares: South Asian, 0.0011%; no homozygotes.

Submissions (2):

Labcorp Genetics (formerly Invitae), Labcorp
Classification: Uncertain significance for Brugada syndrome 8. Last evaluated: 2025-11-10. Review status: criteria provided, single submitter. Criteria: Invitae Variant Classification Sherloc (09022015). Collection method: clinical testing. Allele origin: germline.
Comment: This sequence change replaces arginine, which is basic and polar, with histidine, which is basic and polar, at codon 417 of the HCN4 protein (p.Arg417His). This variant is not present in population databases (gnomAD no frequency). This variant has not been reported in the literature in individuals affected with HCN4-related conditions. ClinVar contains an entry for this variant (Variation ID: 1464291). Invitae Evidence Modeling of protein sequence and biophysical properties (such as structural, functional, and spatial information, amino acid conservation, physicochemical variation, residue mobility, and thermodynamic stability) indicates that this missense variant is expected to disrupt HCN4 protein function with a positive predictive value of 95%. In summary, the available evidence is currently insufficient to determine the role of this variant in disease. Therefore, it has been classified as a Variant of Uncertain Significance.

Blueprint Genetics
Classification: Uncertain significance. Last evaluated: 2024-02-23. Review status: criteria provided, single submitter. Criteria: ACMG Guidelines, 2015. Collection method: clinical testing. Allele origin: germline.